The following is an entry in ClinVar:

ClinVar aggregate classification (germline): Uncertain significance. Review status: criteria provided, multiple submitters, no conflicts (2 of 4 stars). 2 submissions from 2 submitters: Uncertain significance (2). Last evaluated 2025-05-15.

Conditions:
ASXL1-related disorder. Also called: ASXL1-related condition; ASXL1-related disorders.
Inborn genetic diseases. Identifiers: MedGen C0950123, MeSH D030342.

Allele frequency attached by ClinVar (database versions not stated): ExAC 0.00001; TOPMed 0.00001.

Submissions (2):

Ambry Genetics
Classification: Uncertain significance for Inborn genetic diseases. Last evaluated: 2025-05-15. Review status: criteria provided, single submitter. Criteria: Ambry Variant Classification Scheme 2023. Collection method: clinical testing. Allele origin: germline.
Comment: The p.S795F variant (also known as c.2384C>T), located in coding exon 13 of the ASXL1 gene, results from a C to T substitution at nucleotide position 2384. The serine at codon 795 is replaced by phenylalanine, an amino acid with highly dissimilar properties. This amino acid position is conserved. In addition, this alteration is predicted to be tolerated by in silico analysis. Based on the available evidence, the clinical significance of this variant remains unclear.

PreventionGenetics, part of Exact Sciences
Classification: Uncertain significance for ASXL1-related condition. Last evaluated: 2022-09-15. Review status: criteria provided, single submitter. Criteria: ACMG Guidelines, 2015. Collection method: clinical testing. Allele origin: germline.
Comment: The ASXL1 c.2384C>T variant is predicted to result in the amino acid substitution p.Ser795Phe. To our knowledge, this variant has not been reported in the literature. This variant is reported in 0.0062% of alleles in individuals of African descent in gnomAD. At this time, the clinical significance of this variant is uncertain due to the absence of conclusive functional and genetic evidence.

NM_015338.6(ASXL1):c.2384C>T (p.Ser795Phe)

Gene: ASXL1 (ASXL transcriptional regulator 1; plus strand). Cytogenetic location: 20q11.21.
Variant type: single nucleotide variant.
Coding change: c.2384C>T on transcript NM_015338.6 (MANE Select); coding-DNA position 2384, C replaced by T.
Protein change: p.Ser795Phe; replaces serine 795 with phenylalanine.
Molecular consequence: missense variant.
Genome position (GRCh38, 1-based): chr20:32,435,096, C>T. VCF-style: chr20-32435096-C-T. GRCh37 (hg19) VCF-style: chr20-31022899-C-T.
Other names: c.2201C>T, p.Ser734Phe (NM_001363734.1); short protein forms S734F, S795F.
Identifiers: ClinVar variation 2636440 (VCV002636440.2), dbSNP rs746990403, ClinGen allele CA9808605.